The following continues an entry in ClinVar:

NM_000535.7(PMS2):c.2192_2196del (p.Leu731fs)

Gene: PMS2. ClinVar aggregate classification (germline): Pathogenic. Pathogenic (1).

Submissions 12 to 21 of 21:

Myriad Genetics, Inc.
Classification: Pathogenic for Lynch syndrome 4. Last evaluated: 2023-04-05. Review status: criteria provided, single submitter. Criteria: Myriad Autosomal Dominant, Autosomal Recessive and X-Linked Classification Criteria (2023). Collection method: clinical testing. Allele origin: unknown. Not counted in ClinVar's aggregate classification.
Comment: This variant is considered pathogenic. This variant creates a frameshift predicted to result in premature protein truncation.

Dubai Health Genomic Medicine Center, Dubai Health
Classification: Pathogenic. Last evaluated: 2022-12-17. Review status: criteria provided, single submitter. Criteria: ACMG Guidelines, 2015. Collection method: clinical testing. Allele origin: germline. Affected: yes. Not counted in ClinVar's aggregate classification.

MGZ Medical Genetics Center
Classification: Pathogenic for Lynch syndrome 4. Last evaluated: 2021-12-10. Review status: criteria provided, single submitter. Criteria: ACMG Guidelines, 2015. Collection method: clinical testing. Allele origin: germline. Affected: yes. Observed: 2 variant alleles. Not counted in ClinVar's aggregate classification.
Comment: ACMG criteria applied: PVS1, PS4_MOD, PM2_SUP

Laboratory for Molecular Medicine, Mass General Brigham Personalized Medicine
Classification: Pathogenic for Lynch syndrome. Last evaluated: 2021-09-10. Review status: criteria provided, single submitter. Criteria: ACMG Guidelines, 2015. Collection method: clinical testing. Allele origin: germline. Inheritance: Autosomal dominant inheritance. Not counted in ClinVar's aggregate classification.
Comment: The p.Leu731CysfsX3 variant in PMS2 has been reported in at least 3 individuals with PMS2-associated cancers (Nakagawa 2004 PMID: 15256438, Hampel 2005 PMID: 15872200, van der Klift 2010 PMID: 20186688) and has been identified in 1/109826 European chromosomes by gnomAD. This variant is predicted to cause a frameshift, which alters the protein’s amino acid sequence beginning at position 731 and leads to a premature termination codon 3 amino acids downstream. This alteration is then predicted to lead to a truncated or absent protein. Heterozygous loss of function of the PMS2 gene is an established disease mechanism in individuals with Lynch syndrome. Moreover, this variant has also been classified as Pathogenic on Jun 21, 2019 by the ClinGen approved InSiGHT expert panel in ClinVar (Variation ID: 91331). In summary, this variant meets our criteria to be classified as pathogenic for autosomal dominant Lynch syndrome. ACMG/AMP Criteria applied: PVS1, PM2_Supporting, PS4_Supporting.

GeneDx
Classification: Pathogenic. Last evaluated: 2021-03-29. Review status: criteria provided, single submitter. Criteria: GeneDx Variant Classification Process June 2021. Collection method: clinical testing. Allele origin: germline. Affected: yes. Not counted in ClinVar's aggregate classification.
Comment: Frameshift variant predicted to result in protein truncation or nonsense mediated decay in a gene for which loss-of-function is a known mechanism of disease; Observed in patients with Lynch-related cancers and tumor studies consistent with pathogenic variants in this gene (Nakagawa 2004, Senter 2008, Rossi 2017, Lee 2018, Wang 2020); Truncating variants in this gene are considered pathogenic by a well-established clinical consortium and/or database; Not observed at a significant frequency in large population cohorts (Lek 2016); This variant is associated with the following publications: (PMID: 15256438, 18602922, 28874130, 30077346, 31992580, 20186688, 15872200, 16472587, 31447099, 29625052)

Mendelics
Classification: Pathogenic for Lynch syndrome 4. Last evaluated: 2019-05-28. Review status: criteria provided, single submitter. Criteria: Mendelics Assertion Criteria 2017. Collection method: clinical testing. Allele origin: unknown. Not counted in ClinVar's aggregate classification.

University of Washington Department of Laboratory Medicine, University of Washington
Classification: Pathogenic for Hereditary nonpolyposis colon cancer. Last evaluated: 2015-11-20. Review status: criteria provided, single submitter. Criteria: Shirts et al. (Genet Med 2016). Collection method: clinical testing. Allele origin: germline. Affected: yes. Observed: 1 variant allele. Not counted in ClinVar's aggregate classification.

Genesis Genomics
Classification: Pathogenic for Lynch syndrome 4. Review status: criteria provided, single submitter. Criteria: ACMG Guidelines, 2015. Collection method: clinical testing. Allele origin: germline. Affected: yes. Observed: 1 variant allele. Not counted in ClinVar's aggregate classification.

Juno Genomics, Hangzhou Juno Genomics, Inc
Classification: Pathogenic for Lynch syndrome 4. Review status: criteria provided, single submitter. Criteria: ACMG Guidelines, 2015. Collection method: clinical testing. Allele origin: germline. Not counted in ClinVar's aggregate classification.
Comment: Absent from controls (or at extremely low frequency if recessive) in Genome Aggregation Database.;Null variant in a gene where loss of function (LOF) is a known mechanism of disease.;The prevalence of the variant in affected individuals is significantly increased compared to the prevalence in controls.

Counsyl
Classification: Pathogenic for Lynch syndrome 4. Last evaluated: 2017-07-07. Review status: no assertion criteria provided. Collection method: clinical testing. Allele origin: unknown. Not counted in ClinVar's aggregate classification.

Literature cited by the submitters: PubMed 27435373 (cited by 4 submitters); PubMed 15256438 (cited by 4 submitters); PubMed 15872200 (cited by 5 submitters); PubMed 18602922 (cited by 3 submitters); PubMed 22081473 (cited by 3 submitters); PubMed 26845104 (cited by 4 submitters); PubMed 30077346 (cited by 3 submitters); PubMed 31883735 (cited by Ambry Genetics); PubMed 31942411 (cited by Ambry Genetics and Color Diagnostics, LLC DBA Color Health); PubMed 31992580 (cited by Ambry Genetics and Color Diagnostics, LLC DBA Color Health); PubMed 21376568 (cited by Labcorp Genetics (formerly Invitae), Labcorp); PubMed 24362816 (cited by 3 submitters); PubMed 20186688 (cited by 4 submitters); PubMed 28874130 (cited by Color Diagnostics, LLC DBA Color Health and Quest Diagnostics Nichols Institute San Juan Capistrano); PubMed 36644715 (cited by Quest Diagnostics Nichols Institute San Juan Capistrano); PubMed 36169650 (cited by Quest Diagnostics Nichols Institute San Juan Capistrano); PubMed 22658618 (cited by Quest Diagnostics Nichols Institute San Juan Capistrano and Counsyl); PubMed 16472587 (cited by Laboratory for Molecular Medicine, Mass General Brigham Personalized Medicine).